The following is an entry in ClinVar:

ClinVar aggregate classification (germline): Uncertain significance (1 of 4 stars; one submission).

gnomAD v4.1: 2 of 1,581,388 alleles (0.00013%); highest among the groups gnomAD compares: Non-Finnish European, 0.00017%; no homozygotes.

Submission:

CeGaT Center for Human Genetics Tuebingen
Classification: Uncertain significance. Last evaluated: 2024-01-01. Review status: criteria provided, single submitter. Criteria: CeGaT Center For Human Genetics Tuebingen Variant Classification Criteria Version 2. Collection method: clinical testing. Allele origin: germline. Affected: yes. Observed: 1 variant allele.
Comment: CHD7: PM2

NM_017780.4(CHD7):c.1697C>G (p.Pro566Arg)

Genes: CHD7 (chromodomain helicase DNA binding protein 7; plus strand), LOC126860403 (CDK7 strongly-dependent group 2 enhancer GRCh37_chr8:61693034-61694233; plus strand). Cytogenetic location: 8q12.2.
Variant type: single nucleotide variant.
Coding change: c.1697C>G on transcript NM_017780.4 (MANE Select); coding-DNA position 1697, C replaced by G.
Protein change: p.Pro566Arg; replaces proline 566 with arginine.
Molecular consequence: missense variant.
Genome position (GRCh38, 1-based): chr8:60,781,031, C>G. VCF-style: chr8-60781031-C-G. GRCh37 (hg19) VCF-style: chr8-61693590-C-G.
Other names: c.1697C>G, p.Pro566Arg (NM_001316690.1); short protein forms P566R.
Identifiers: ClinVar variation 3026259 (VCV003026259.22), dbSNP rs754461179, ClinGen allele CA371311374.